The following is an entry in ClinVar:

NM_001142864.4(PIEZO1):c.1992C>G (p.Asp664Glu)

Genes: HSALR1 (HSP90AB1 associated lncRNA 1; plus strand), PIEZO1 (piezo type mechanosensitive ion channel component 1 (Er blood group); minus strand). Cytogenetic location: 16q24.3.
Variant type: single nucleotide variant.
Coding change: c.1992C>G on transcript NM_001142864.4 (MANE Select); coding-DNA position 1992, C replaced by G.
Protein change: p.Asp664Glu; replaces aspartic acid 664 with glutamic acid.
Molecular consequence: missense variant.
Genome position (GRCh38, 1-based): chr16:88,734,655, G>C on the plus strand (C>G on the coding strand, the complement: PIEZO1 is on the minus strand). VCF-style: chr16-88734655-G-C. GRCh37 (hg19) VCF-style: chr16-88801063-G-C.
Other names: short protein forms D664E.
Identifiers: ClinVar variation 5008608 (VCV005008608.1).

ClinVar aggregate classification (germline): Uncertain significance (1 of 4 stars; one submission).

Submission:

GeneDx
Classification: Uncertain significance. Last evaluated: 2026-03-05. Review status: criteria provided, single submitter. Criteria: GeneDx Variant Classification Process June 2021. Collection method: clinical testing. Allele origin: germline.
Comment: Not observed at significant frequency in large population cohorts (gnomAD); In silico analysis suggests that this missense variant does not alter protein structure/function; Has not been previously published as pathogenic or benign to our knowledge